The following is an entry in ClinVar:

ClinVar aggregate classification (germline): Likely pathogenic (1 of 4 stars; one submission).

Conditions:
Ellis-van Creveld syndrome (EVC). Also called: Chondroectodermal dysplasia; MESOECTODERMAL DYSPLASIA. Identifiers: Orphanet 289, MedGen C0013903, MONDO:0009162, OMIM 225500.

Submission:

Juno Genomics, Hangzhou Juno Genomics, Inc
Classification: Likely pathogenic for Ellis-van Creveld syndrome. Review status: criteria provided, single submitter. Criteria: ACMG Guidelines, 2015. Collection method: clinical testing. Allele origin: germline.
Comment: Null variant in a gene where loss of function (LOF) is a known mechanism of disease.;Absent from controls (or at extremely low frequency if recessive) in Genome Aggregation Database.

NM_147127.5(EVC2):c.50del (p.Gly17fs)

Gene: EVC2 (EvC ciliary complex subunit 2; minus strand). Cytogenetic location: 4p16.2.
Variant type: Deletion.
Coding change: c.50del on transcript NM_147127.5 (MANE Select); coding-DNA position 50, one base deleted (G; older notation c.50delG).
Protein change: p.Gly17fs; shifts the reading frame from glycine 17.
Molecular consequence: frameshift variant. On other transcripts: intron variant (1).
Genome position (GRCh38, 1-based): chr4:5,708,464, C deleted on the plus strand (G on the coding strand, the reverse complement: EVC2 is on the minus strand); the first of 5 consecutive C bases (chr4:5,708,464-5,708,468); deleting any one gives the same sequence. VCF-style (leftmost placement, unchanged base first): chr4-5708463-AC-A. GRCh37 (hg19) VCF-style: chr4-5710190-AC-A.
Other names: c.-13+365del (NM_001166136.2); short protein forms G17fs.
Identifiers: ClinVar variation 5006784 (VCV005006784.2).